The following is an entry in ClinVar:

NM_181332.3(NLGN4X):c.1409A>G (p.Tyr470Cys)

Gene: NLGN4X (neuroligin 4 X-linked; minus strand). Cytogenetic location: Xp22.32.
Variant type: single nucleotide variant.
Coding change: c.1409A>G on transcript NM_181332.3 (MANE Select); coding-DNA position 1409, A replaced by G.
Protein change: p.Tyr470Cys; replaces tyrosine 470 with cysteine.
Molecular consequence: missense variant.
Genome position (GRCh38, 1-based): chrX:5,903,269, T>C on the plus strand (A>G on the coding strand, the complement: NLGN4X is on the minus strand). VCF-style: chrX-5903269-T-C. GRCh37 (hg19) VCF-style: chrX-5821310-T-C.
Other names: c.1409A>G, p.Tyr470Cys (NM_001282145.2, NM_001282146.2, NM_001441322.1 and 4 more transcripts); short protein forms Y470C.
Identifiers: ClinVar variation 4086572 (VCV004086572.2).

ClinVar aggregate classification (germline): Uncertain significance. Review status: criteria provided, multiple submitters, no conflicts (2 of 4 stars). 2 submissions from 2 submitters: Uncertain significance (2). Last evaluated 2025-03-20.

Submissions (2):

GeneDx
Classification: Uncertain significance. Last evaluated: 2025-03-20. Review status: criteria provided, single submitter. Criteria: GeneDx Variant Classification Process June 2021. Collection method: clinical testing. Allele origin: germline. Affected: yes.
Comment: Not observed at significant frequency in large population cohorts (gnomAD); In silico analysis supports that this missense variant has a deleterious effect on protein structure/function; Has not been previously published as pathogenic or benign to our knowledge

Blueprint Genetics
Classification: Uncertain significance. Last evaluated: 2022-10-20. Review status: criteria provided, single submitter. Criteria: ACMG Guidelines, 2015. Collection method: clinical testing. Allele origin: germline.